The following is an entry in ClinVar:

NM_001367873.1(SOX6):c.2023_2024delinsTT (p.Ala675Phe)

Gene: SOX6 (SRY-box transcription factor 6; minus strand). Cytogenetic location: 11p15.2.
Variant type: Indel.
Coding change: c.2023_2024delinsTT on transcript NM_001367873.1 (MANE Select); coding-DNA positions 2023 to 2024, GC replaced by TT.
Protein change: p.Ala675Phe; replaces alanine 675 with phenylalanine.
Molecular consequence: missense variant.
Genome position (GRCh38, 1-based): chr11:15,986,363-15,986,364, GC replaced by AA on the plus strand (GC replaced by TT on the coding strand, the reverse complement: SOX6 is on the minus strand). VCF-style: chr11-15986363-GC-AA. GRCh37 (hg19) VCF-style: chr11-16007909-GC-AA.
Other names: c.1942_1943delinsTT, p.Ala648Phe (NM_001145811.2, NM_017508.3); c.2023_2024delinsTT, p.Ala675Phe (NM_001145819.2); c.1900_1901delinsTT, p.Ala634Phe (NM_001367872.1); c.1963_1964delinsTT, p.Ala655Phe (NM_033326.3); short protein forms A634F, A655F, A648F, A675F.
Identifiers: ClinVar variation 5009440 (VCV005009440.1).

ClinVar aggregate classification (germline): Uncertain significance (1 of 4 stars; one submission).

Submission:

GeneDx
Classification: Uncertain significance. Last evaluated: 2026-03-18. Review status: criteria provided, single submitter. Criteria: GeneDx Variant Classification Process June 2021. Collection method: clinical testing. Allele origin: germline.
Comment: Not observed at significant frequency in large population cohorts (gnomAD); In silico analysis supports a deleterious effect on protein structure/function; Has not been previously published as pathogenic or benign to our knowledge